The following is an entry in ClinVar:

NM_015346.4(ZFYVE26):c.1462C>T (p.His488Tyr)

Gene: ZFYVE26 (zinc finger FYVE-type containing 26; minus strand). Cytogenetic location: 14q24.1.
Variant type: single nucleotide variant.
Coding change: c.1462C>T on transcript NM_015346.4 (MANE Select); coding-DNA position 1462, C replaced by T.
Protein change: p.His488Tyr; replaces histidine 488 with tyrosine.
Molecular consequence: missense variant.
Genome position (GRCh38, 1-based): chr14:67,802,256, G>A on the plus strand (C>T on the coding strand, the complement: ZFYVE26 is on the minus strand). VCF-style: chr14-67802256-G-A. GRCh37 (hg19) VCF-style: chr14-68268973-G-A.
Other names: short protein forms H488Y.
Identifiers: ClinVar variation 406178 (VCV000406178.4), dbSNP rs145455748, ClinGen allele CA7240510.
Genomic context (GRCh38, chr14:67,802,256, plus strand): 5'-TGGCATACTTCATGGCACAGAAGCCCTGGTAGAGTGTCAGGTTCTGACACTGGCTCAGGT[G>A]CTCAGGGACTGGAGCATCAACTGCATCTGAATTACAAAGAGAAACAGGCTGAACTTGAGA-3'
Protein context (NP_056161.2, residues 478-498): PDAVDAPVPE[His488Tyr]LSQCQNLTLY

ClinVar aggregate classification (germline): Uncertain significance. Review status: criteria provided, multiple submitters, no conflicts (2 of 4 stars). 2 submissions from 2 submitters: Uncertain significance (2). Last evaluated 2024-10-25.

Conditions:
Spastic paraplegia. Identifiers: MedGen C0037772, HP:0001258.

Allele frequency attached by ClinVar (database versions not stated): gnomAD 0.00002; ESP Exome Variant Server 0.00015; gnomAD exomes 0.00002; TOPMed 0.00003; ExAC 0.00002.
gnomAD v4.1: 50 of 1,614,112 alleles (0.0031%); highest among the groups gnomAD compares: Non-Finnish European, 0.0042%; no homozygotes.

Submissions (2):

Labcorp Genetics (formerly Invitae), Labcorp
Classification: Uncertain significance for Spastic paraplegia. Last evaluated: 2024-10-25. Review status: criteria provided, single submitter. Criteria: Invitae Variant Classification Sherloc (09022015). Collection method: clinical testing. Allele origin: germline.
Comment: This sequence change replaces histidine, which is basic and polar, with tyrosine, which is neutral and polar, at codon 488 of the ZFYVE26 protein (p.His488Tyr). This variant is present in population databases (rs145455748, gnomAD 0.004%). This variant has not been reported in the literature in individuals affected with ZFYVE26-related conditions. ClinVar contains an entry for this variant (Variation ID: 406178). An algorithm developed to predict the effect of missense changes on protein structure and function (PolyPhen-2) suggests that this variant is likely to be disruptive. In summary, the available evidence is currently insufficient to determine the role of this variant in disease. Therefore, it has been classified as a Variant of Uncertain Significance.

Athena Diagnostics
Classification: Uncertain significance. Last evaluated: 2018-10-29. Review status: criteria provided, single submitter. Criteria: Athena Diagnostics Criteria. Collection method: clinical testing. Allele origin: germline.